The following is an entry in ClinVar:

NM_033100.4(CDHR1):c.2001C>T (p.Ser667=)

Gene: CDHR1 (cadherin related family member 1; plus strand). Cytogenetic location: 10q23.1.
Variant type: single nucleotide variant.
Coding change: c.2001C>T on transcript NM_033100.4 (MANE Select); coding-DNA position 2001, C replaced by T.
Protein change: p.Ser667=; no amino-acid change (serine 667 retained).
Molecular consequence: synonymous variant.
Genome position (GRCh38, 1-based): chr10:84,213,309, C>T. VCF-style: chr10-84213309-C-T. GRCh37 (hg19) VCF-style: chr10-85973065-C-T.
Other names: c.2001C>T, p.Ser667= (NM_001171971.3).
Identifiers: ClinVar variation 301252 (VCV000301252.15), dbSNP rs139302633, ClinGen allele CA5580108.
Genomic context (GRCh38, chr10:84,213,309, plus strand): 5'-AAGGGACTGCCTATGGTCCCTAGAGGTGCAGGCCAAGGACCGGGGCTCCCCATCCTTCAG[C>T]ACCACAGCCTTACTCAAGATTGACATCACAGATGCTGAGGTGAGTACAAAGCCATGGTCA-3'
Protein context (NP_149091.1, residues 657-677): QAKDRGSPSF[Ser667=]TTALLKIDIT

ClinVar aggregate classification (germline): Conflicting classifications of pathogenicity. Review status: criteria provided, conflicting classifications (1 of 4 stars). 4 submissions from 4 submitters: Uncertain significance (1); Likely benign (3). Last evaluated 2026-06-03.

Conditions:
Cone-rod dystrophy 15 (CORD15). Identifiers: MedGen C3150912, MONDO:0013348, OMIM 613660.
CDHR1-related disorder. Also called: CDHR1-related condition.

Allele frequency attached by ClinVar (database versions not stated): gnomAD exomes 0.00001 and 0.00004; ExAC 0.00005; gnomAD 0.00020 and 0.00023; ESP Exome Variant Server 0.00023; TOPMed 0.00023; 1000 Genomes Project 30x 0.00031; 1000 Genomes Project 0.00040.
gnomAD v4.1: 42 of 1,614,228 alleles (0.0026%); highest among the groups gnomAD compares: African/African-American, 0.056%; no homozygotes.

Submissions (4):

PreventionGenetics, part of Exact Sciences
Classification: Likely benign for CDHR1-related condition. Last evaluated: 2026-06-03. Review status: criteria provided, single submitter. Criteria: ACMG Guidelines, 2015. Collection method: clinical testing. Allele origin: germline.
Comment: This variant is classified as likely benign based on ACMG/AMP sequence variant interpretation guidelines (Richards et al. 2015 PMID: 25741868, with internal and published modifications).

Labcorp Genetics (formerly Invitae), Labcorp
Classification: Likely benign. Last evaluated: 2025-08-09. Review status: criteria provided, single submitter. Criteria: Invitae Variant Classification Sherloc (09022015). Collection method: clinical testing. Allele origin: germline.

Blueprint Genetics
Classification: Likely benign. Last evaluated: 2020-10-31. Review status: criteria provided, single submitter. Criteria: ACMG Guidelines, 2015. Collection method: clinical testing. Allele origin: germline.

Illumina Laboratory Services, Illumina
Classification: Uncertain significance for Cone-rod dystrophy 15. Last evaluated: 2018-01-13. Review status: criteria provided, single submitter. Criteria: ICSL Variant Classification Criteria 13 December 2019. Collection method: clinical testing. Allele origin: germline.